The following is an entry in ClinVar:

ClinVar aggregate classification (germline): Uncertain significance (1 of 4 stars; one submission).

gnomAD v4.1: 2 of 1,602,410 alleles (0.00012%); highest among the groups gnomAD compares: Admixed American, 0.0034%; no homozygotes.

Submission:

Labcorp Genetics (formerly Invitae), Labcorp
Classification: Uncertain significance. Last evaluated: 2024-12-02. Review status: criteria provided, single submitter. Criteria: Invitae Variant Classification Sherloc (09022015). Collection method: clinical testing. Allele origin: germline.
Comment: This sequence change replaces glutamic acid, which is acidic and polar, with aspartic acid, which is acidic and polar, at codon 247 of the ERBIN protein (p.Glu247Asp). This variant is present in population databases (no rsID available, gnomAD 0.006%). This variant has not been reported in the literature in individuals affected with ERBIN-related conditions. ClinVar contains an entry for this variant (Variation ID: 2041254). An algorithm developed to predict the effect of missense changes on protein structure and function outputs the following: PolyPhen-2: "Benign". The aspartic acid amino acid residue is found in multiple mammalian species, which suggests that this missense change does not adversely affect protein function. In summary, the available evidence is currently insufficient to determine the role of this variant in disease. Therefore, it has been classified as a Variant of Uncertain Significance.

NM_001253697.2(ERBIN):c.741A>C (p.Glu247Asp)

Gene: ERBIN (erbb2 interacting protein; plus strand). Cytogenetic location: 5q12.3.
Variant type: single nucleotide variant.
Coding change: c.741A>C on transcript NM_001253697.2 (MANE Select); coding-DNA position 741, A replaced by C.
Protein change: p.Glu247Asp; replaces glutamic acid 247 with aspartic acid.
Molecular consequence: missense variant.
Genome position (GRCh38, 1-based): chr5:66,024,374, A>C. VCF-style: chr5-66024374-A-C. GRCh37 (hg19) VCF-style: chr5-65320202-A-C.
Other names: c.741A>C, p.Glu247Asp (NM_001006600.3, NM_001253698.2, NM_001253699.2 and 2 more transcripts); short protein forms E247D.
Identifiers: ClinVar variation 2041254 (VCV002041254.4), dbSNP rs1454154231, ClinGen allele CA359974816.
Genomic context (GRCh38, chr5:66,024,374, plus strand): 5'-TAGTTTGAAACAGCTCACATATTTGGATGTTTCTAAAAATAATATTGAAATGGTTGAAGA[A>C]GGAATTTCAACATGTGAAAACCTTCAAGACCTCCTATTATCAAGCAATTCACTTCAGCAG-3'
Protein context (NP_001240626.1, residues 237-257): VSKNNIEMVE[Glu247Asp]GISTCENLQD